The following is an entry in ClinVar:

NM_000170.3(GLDC):c.1331G>A (p.Cys444Tyr)

Gene: GLDC (glycine decarboxylase; minus strand). Cytogenetic location: 9p24.1.
Variant type: single nucleotide variant.
Coding change: c.1331G>A on transcript NM_000170.3 (MANE Select); coding-DNA position 1331, G replaced by A.
Protein change: p.Cys444Tyr; replaces cysteine 444 with tyrosine.
Molecular consequence: missense variant.
Genome position (GRCh38, 1-based): chr9:6,592,921, C>T on the plus strand (G>A on the coding strand, the complement: GLDC is on the minus strand). VCF-style: chr9-6592921-C-T. GRCh37 (hg19) VCF-style: chr9-6592921-C-T.
Other names: short protein forms C444Y.
Identifiers: ClinVar variation 462852 (VCV000462852.27), dbSNP rs142099123, ClinGen allele CA4980760.

ClinVar aggregate classification (germline): Likely benign. Review status: criteria provided, multiple submitters, no conflicts (2 of 4 stars). 6 submissions from 6 submitters: Likely benign (5). 1 of the submissions does not count toward it. Last evaluated 2026-01-28.

Conditions:
Glycine encephalopathy. Also called: Nonketotic hyperglycinemia; Non-ketotic hyperglycinemia. Identifiers: Orphanet 407, MedGen C0751748, MONDO:0011612, HP:0008288.

Allele frequency attached by ClinVar (database versions not stated): gnomAD exomes 0.00023 and 0.00059; ExAC 0.00075; gnomAD 0.00242 and 0.00261; ESP Exome Variant Server 0.00246; TOPMed 0.00267; 1000 Genomes Project 0.00300; 1000 Genomes Project 30x 0.00344.
gnomAD v4.1: 697 of 1,613,964 alleles (0.043%); highest among the groups gnomAD compares: African/African-American, 0.87%; 4 homozygotes.

Submissions (6):

Labcorp Genetics (formerly Invitae), Labcorp
Classification: Likely benign for Glycine encephalopathy. Last evaluated: 2026-01-28. Review status: criteria provided, single submitter. Criteria: Invitae Variant Classification Sherloc (09022015). Collection method: clinical testing. Allele origin: germline.

CeGaT Center for Human Genetics Tuebingen
Classification: Likely benign. Last evaluated: 2025-11-01. Review status: criteria provided, single submitter. Criteria: CeGaT Center For Human Genetics Tuebingen Variant Classification Criteria Version 2. Collection method: clinical testing. Allele origin: germline. Affected: yes. Observed: 1 variant allele.
Comment: GLDC: BS2

Athena Diagnostics
Classification: Likely benign. Last evaluated: 2024-12-23. Review status: criteria provided, single submitter. Criteria: Athena Diagnostics Criteria. Collection method: clinical testing. Allele origin: unknown.
Comment: The frequency of this variant in the general population is higher than would generally be expected for pathogenic variants in this gene. Computational tools predict this amino acid change may be benign.

GeneDx
Classification: Likely benign. Last evaluated: 2021-03-16. Review status: criteria provided, single submitter. Criteria: GeneDx Variant Classification Process June 2021. Collection method: clinical testing. Allele origin: germline. Affected: yes.

Illumina Laboratory Services, Illumina
Classification: Likely benign for Glycine encephalopathy 1. Last evaluated: 2018-01-13. Review status: criteria provided, single submitter. Criteria: ICSL Variant Classification Criteria 13 December 2019. Collection method: clinical testing. Allele origin: germline.
Comment: This variant was observed in the ICSL laboratory as part of a predisposition screen in an ostensibly healthy population. It had not been previously curated by ICSL or reported in the Human Gene Mutation Database (HGMD: prior to June 1st, 2018), and was therefore a candidate for classification through an automated scoring system. Utilizing variant allele frequency, disease prevalence and penetrance estimates, and inheritance mode, an automated score was calculated to assess if this variant is too frequent to cause the disease. Based on the score and internal cut-off values, a variant classified as likely benign is not then subjected to further curation. The score for this variant resulted in a classification of likely benign for this disease.

Natera, Inc.
Classification: Benign for Non-ketotic hyperglycinemia. Last evaluated: 2019-12-16. Review status: no assertion criteria provided. Collection method: clinical testing. Allele origin: germline. Not counted in ClinVar's aggregate classification.